The following is an entry in ClinVar:

NM_000245.4(MET):c.2365-11T>A

Gene: MET (MET proto-oncogene, receptor tyrosine kinase; plus strand). Cytogenetic location: 7q31.2.
Variant type: single nucleotide variant.
Coding change: c.2365-11T>A on transcript NM_000245.4 (MANE Select); 11 bases into the intron before coding-DNA position 2365, T replaced by A.
Molecular consequence: intron variant.
Genome position (GRCh38, 1-based): chr7:116,763,039, T>A. VCF-style: chr7-116763039-T-A. GRCh37 (hg19) VCF-style: chr7-116403093-T-A.
Other names: c.2419-11T>A (NM_001127500.3); c.1075-11T>A (NM_001324402.2); c.2365-11T>A (NM_001324401.3).
Identifiers: ClinVar variation 1316166 (VCV001316166.6), dbSNP rs1367439751, ClinGen allele CA2573052799.

ClinVar aggregate classification (germline): Conflicting classifications of pathogenicity. Review status: criteria provided, conflicting classifications (1 of 4 stars). 2 submissions from 2 submitters: Uncertain significance (1); Likely benign (1). Last evaluated 2024-12-24.

Conditions:
Renal cell carcinoma. Identifiers: Orphanet 217071, MedGen C0007134, MeSH D002292, MONDO:0005086, HP:0005584.

Allele frequency attached by ClinVar (database versions not stated): gnomAD exomes below 0.00001.
gnomAD v4.1: 1 of 1,609,902 alleles (0.000062%); highest among the groups gnomAD compares: Non-Finnish European, 0.000085%; no homozygotes.

Submissions (2):

Labcorp Genetics (formerly Invitae), Labcorp
Classification: Likely benign for Renal cell carcinoma. Last evaluated: 2024-12-24. Review status: criteria provided, single submitter. Criteria: Invitae Variant Classification Sherloc (09022015). Collection method: clinical testing. Allele origin: germline.

GeneDx
Classification: Uncertain significance. Last evaluated: 2021-01-18. Review status: criteria provided, single submitter. Criteria: GeneDx Variant Classification Process June 2021. Collection method: clinical testing. Allele origin: germline. Affected: yes.
Comment: Has not been previously published as pathogenic or benign to our knowledge; Not observed in large population cohorts (Lek 2016); In silico analysis supports a deleterious effect on splicing